The following is an entry in ClinVar:

ClinVar aggregate classification (germline): Uncertain significance (1 of 4 stars; one submission).

Allele frequency attached by ClinVar (database versions not stated): gnomAD 0.00010 and 0.00011; gnomAD exomes 0.00010; ExAC 0.00012; TOPMed 0.00016.
gnomAD v4.1: 80 of 1,613,328 alleles (0.005%); highest among the groups gnomAD compares: Admixed American, 0.062%; no homozygotes.

Submission:

Labcorp Genetics (formerly Invitae), Labcorp
Classification: Uncertain significance. Last evaluated: 2023-12-12. Review status: criteria provided, single submitter. Criteria: Invitae Variant Classification Sherloc (09022015). Collection method: clinical testing. Allele origin: germline.
Comment: This sequence change replaces threonine, which is neutral and polar, with methionine, which is neutral and non-polar, at codon 378 of the SCARB1 protein (p.Thr378Met). This variant is present in population databases (rs748231262, gnomAD 0.05%). This missense change has been observed in individual(s) with clinical features of SCARB1-related conditions (PMID: 30270055, 32041611). ClinVar contains an entry for this variant (Variation ID: 1417779). Advanced modeling of protein sequence and biophysical properties (such as structural, functional, and spatial information, amino acid conservation, physicochemical variation, residue mobility, and thermodynamic stability) performed at Invitae indicates that this missense variant is not expected to disrupt SCARB1 protein function with a negative predictive value of 80%. In summary, the available evidence is currently insufficient to determine the role of this variant in disease. Therefore, it has been classified as a Variant of Uncertain Significance.

Literature cited by the submitters: PubMed 30270055; PubMed 32041611.

NM_005505.5(SCARB1):c.1133C>T (p.Thr378Met)

Genes: SCARB1 (scavenger receptor class B member 1; minus strand), LOC129390586 (MPRA-validated peak2031 silencer; plus strand). Cytogenetic location: 12q24.31.
Variant type: single nucleotide variant.
Coding change: c.1133C>T on transcript NM_005505.5 (MANE Select); coding-DNA position 1133, C replaced by T.
Protein change: p.Thr378Met; replaces threonine 378 with methionine.
Molecular consequence: missense variant. On other transcripts: non-coding transcript variant (6), intron variant (1).
Genome position (GRCh38, 1-based): chr12:124,795,264, G>A on the plus strand (C>T on the coding strand, the complement: SCARB1 is on the minus strand). VCF-style: chr12-124795264-G-A. GRCh37 (hg19) VCF-style: chr12-125279810-G-A.
Other names: c.1133C>T, p.Thr378Met (NM_001082959.2, NM_001367981.1, NM_001367983.1 and 3 more transcripts); c.1010C>T, p.Thr337Met (NM_001367982.1); c.1109C>T, p.Thr370Met (NM_001367985.1); c.731C>T, p.Thr244Met (NM_001367988.1); c.1005-7807C>T (NM_001367987.1); short protein forms T244M, T337M, T370M, T378M.
Identifiers: ClinVar variation 1417779 (VCV001417779.6), dbSNP rs748231262, ClinGen allele CA6870307.
Genomic context (GRCh38, chr12:124,795,264, plus strand): 5'-GCGACAGATTTCATGTAGAGGCTCAGCTGCAGTTTCACAGAGCAGTTCATGGGGATTCCC[G>A]TGACCTGCGGCAACAAACACAGTGAGGAGACTGGCCACCCCCAAGCTCCAGGGACACCGT-3'
Protein context (NP_005496.4, residues 368-388): HSLFLDIHPV[Thr378Met]GIPMNCSVKL